The following is an entry in ClinVar:

ClinVar aggregate classification (germline): Uncertain significance (1 of 4 stars; one submission).

Submission:

GeneDx
Classification: Uncertain significance. Last evaluated: 2024-09-26. Review status: criteria provided, single submitter. Criteria: GeneDx Variant Classification Process June 2021. Collection method: clinical testing. Allele origin: germline. Affected: yes.
Comment: Not observed at significant frequency in large population cohorts (gnomAD); In silico analysis supports a deleterious effect on splicing; Has not been previously published as pathogenic or benign to our knowledge

NM_001127222.2(CACNA1A):c.5401-3C>G

Gene: CACNA1A (calcium voltage-gated channel subunit alpha1 A; minus strand). Cytogenetic location: 19p13.13.
Variant type: single nucleotide variant.
Coding change: c.5401-3C>G on transcript NM_001127222.2 (MANE Select); 3 bases into the intron before coding-DNA position 5401, C replaced by G.
Molecular consequence: intron variant.
Genome position (GRCh38, 1-based): chr19:13,230,212, G>C on the plus strand (C>G on the coding strand, the complement: CACNA1A is on the minus strand). VCF-style: chr19-13230212-G-C. GRCh37 (hg19) VCF-style: chr19-13341026-G-C.
Other names: c.5404-3C>G (NM_001127221.2); c.5410-3C>G (NM_001174080.2); c.5419-3C>G (NM_000068.4, NM_023035.3).
Identifiers: ClinVar variation 3774818 (VCV003774818.1).